The following is an entry in ClinVar:

NM_032531.4(KIRREL3):c.116T>A (p.Phe39Tyr)

Genes: KIRREL3 (kirre like nephrin family adhesion molecule 3; minus strand), KIRREL3-AS1 (KIRREL3 antisense RNA 1; plus strand). Cytogenetic location: 11q24.2.
Variant type: single nucleotide variant.
Coding change: c.116T>A on transcript NM_032531.4 (MANE Select); coding-DNA position 116, T replaced by A.
Protein change: p.Phe39Tyr; replaces phenylalanine 39 with tyrosine.
Molecular consequence: missense variant.
Genome position (GRCh38, 1-based): chr11:126,562,852, A>T on the plus strand (T>A on the coding strand, the complement: KIRREL3 is on the minus strand). VCF-style: chr11-126562852-A-T. GRCh37 (hg19) VCF-style: chr11-126432747-A-T.
Other names: c.116T>A, p.Phe39Tyr (NM_001161707.2, NM_001301097.2); short protein forms F39Y.
Identifiers: ClinVar variation 129420 (VCV000129420.33), dbSNP rs201204758, ClinGen allele CA231219.

ClinVar aggregate classification (germline): Benign/Likely benign. Review status: criteria provided, multiple submitters, no conflicts (2 of 4 stars). 4 submissions from 4 submitters: Benign (1); Likely benign (3). Last evaluated 2025-07-01.

Allele frequency attached by ClinVar (database versions not stated): 1000 Genomes Project 0.00020; 1000 Genomes Project 30x 0.00031; gnomAD exomes 0.00090; ExAC 0.00102; gnomAD 0.00113 and 0.00119; TOPMed 0.00113; ESP Exome Variant Server 0.00140.
gnomAD v4.1: 2,864 of 1,613,718 alleles (0.18%); highest among the groups gnomAD compares: Non-Finnish European, 0.23%; 2 homozygotes.

Submissions (4):

CeGaT Center for Human Genetics Tuebingen
Classification: Benign. Last evaluated: 2025-07-01. Review status: criteria provided, single submitter. Criteria: CeGaT Center For Human Genetics Tuebingen Variant Classification Criteria Version 2. Collection method: clinical testing. Allele origin: germline. Affected: yes. Observed: 2 variant alleles.
Comment: KIRREL3: BS1, BS2

Blueprint Genetics
Classification: Likely benign. Last evaluated: 2024-09-05. Review status: criteria provided, single submitter. Criteria: ACMG Guidelines, 2015. Collection method: clinical testing. Allele origin: germline.

GeneDx
Classification: Likely benign. Last evaluated: 2018-07-19. Review status: criteria provided, single submitter. Criteria: GeneDx Variant Classification Process June 2021. Collection method: clinical testing. Allele origin: germline. Affected: yes.

Genetic Services Laboratory, University of Chicago
Classification: Likely benign. Last evaluated: 2015-12-30. Review status: criteria provided, single submitter. Criteria: ACMG Guidelines, 2015. Collection method: clinical testing. Allele origin: germline. Affected: no.